The following is an entry in ClinVar:

ClinVar aggregate classification (germline): Likely benign (1 of 4 stars; one submission).

Submission:

CeGaT Center for Human Genetics Tuebingen
Classification: Likely benign. Last evaluated: 2026-05-01. Review status: criteria provided, single submitter. Criteria: CeGaT Center For Human Genetics Tuebingen Variant Classification Criteria Version 2. Collection method: clinical testing. Allele origin: germline. Affected: yes. Observed: 1 variant allele.
Comment: SLC6A8: BP4, BP7

NM_005629.4(SLC6A8):c.33T>C (p.Tyr11=)

Gene: SLC6A8 (solute carrier family 6 member 8; plus strand). Cytogenetic location: Xq28.
Variant type: single nucleotide variant.
Coding change: c.33T>C on transcript NM_005629.4 (MANE Select); coding-DNA position 33, T replaced by C.
Protein change: p.Tyr11=; no amino-acid change (tyrosine 11 retained).
Molecular consequence: synonymous variant.
Genome position (GRCh38, 1-based): chrX:153,688,607, T>C. VCF-style: chrX-153688607-T-C. GRCh37 (hg19) VCF-style: chrX-152954062-T-C.
Other names: c.33T>C, p.Tyr11= (NM_001142805.2).
Identifiers: ClinVar variation 4873351 (VCV004873351.2).
Genomic context (GRCh38, chrX:153,688,607, plus strand): 5'-CGGCCCGGCCGTGCGGCCCGCCGAGGCCATGGCGAAGAAGAGCGCCGAGAACGGCATCTA[T>C]AGCGTGTCCGGCGACGAGAAGAAGGGCCCCCTCATCGCGCCCGGGCCCGACGGGGCCCCG-3'
Protein context (NP_005620.1, residues 1-21): MAKKSAENGI[Tyr11=]SVSGDEKKGP